The following is an entry in ClinVar:

NM_001177693.2(ARHGEF28):c.4044C>A (p.Thr1348=)

Gene: ARHGEF28 (Rho guanine nucleotide exchange factor 28; plus strand). Cytogenetic location: 5q13.2.
Variant type: single nucleotide variant.
Coding change: c.4044C>A on transcript NM_001177693.2 (MANE Select); coding-DNA position 4044, C replaced by A.
Protein change: p.Thr1348=; no amino-acid change (threonine 1348 retained).
Molecular consequence: synonymous variant.
Genome position (GRCh38, 1-based): chr5:73,901,254, C>A. VCF-style: chr5-73901254-C-A. GRCh37 (hg19) VCF-style: chr5-73197079-C-A.
Other names: c.4044C>A, p.Thr1348= (NM_001080479.3, NM_001388078.1); c.3105C>A, p.Thr1035= (NM_001244364.2); c.3750C>A, p.Thr1250= (NM_001388076.1).
Identifiers: ClinVar variation 718445 (VCV000718445.29), dbSNP rs182944481, ClinGen allele CA3305230.

ClinVar aggregate classification (germline): Benign/Likely benign. Review status: criteria provided, multiple submitters, no conflicts (2 of 4 stars). 3 submissions from 3 submitters: Benign (2); Likely benign (1). Last evaluated 2022-06-01.

Allele frequency attached by ClinVar (database versions not stated): 1000 Genomes Project 30x 0.00109; 1000 Genomes Project 0.00140; ESP Exome Variant Server 0.00171; TOPMed 0.00221.
gnomAD v4.1: 2,880 of 1,612,964 alleles (0.18%); highest among the groups gnomAD compares: Middle Eastern, 4.2%; 24 homozygotes.

Submissions (3):

CeGaT Center for Human Genetics Tuebingen
Classification: Likely benign. Last evaluated: 2022-06-01. Review status: criteria provided, single submitter. Criteria: CeGaT Center For Human Genetics Tuebingen Variant Classification Criteria Version 2. Collection method: clinical testing. Allele origin: germline. Affected: yes. Observed: 1 variant allele.
Comment: ARHGEF28: BP4, BP7, BS1

Labcorp Genetics (formerly Invitae), Labcorp
Classification: Benign. Last evaluated: 2019-12-31. Review status: criteria provided, single submitter. Criteria: Invitae Variant Classification Sherloc (09022015). Collection method: clinical testing. Allele origin: germline.

Breakthrough Genomics
Classification: Benign. Review status: criteria provided, single submitter. Criteria: ACMG Guidelines, 2015. Collection method: not provided. Allele origin: germline. Inheritance: Unknown mechanism. Affected: yes.